The following is an entry in ClinVar:

ClinVar aggregate classification (germline): Uncertain significance. Review status: criteria provided, multiple submitters, no conflicts (2 of 4 stars). 3 submissions from 3 submitters: Uncertain significance (3). Last evaluated 2025-04-16.

Conditions:
Hereditary nonpolyposis colorectal neoplasms. Identifiers: MedGen C0009405, MeSH D003123.
Hereditary cancer-predisposing syndrome. Also called: Hereditary Cancer Syndrome; Hereditary neoplastic syndrome; Tumor predisposition; Neoplastic Syndromes, Hereditary. Identifiers: Orphanet 140162, MedGen C0027672, MeSH D009386, MONDO:0015356.

Allele frequency attached by ClinVar (database versions not stated): 1000 Genomes Project 30x 0.00016.

Submissions (3):

Labcorp Genetics (formerly Invitae), Labcorp
Classification: Uncertain significance for Hereditary nonpolyposis colorectal neoplasms. Last evaluated: 2025-04-16. Review status: criteria provided, single submitter. Criteria: Invitae Variant Classification Sherloc (09022015). Collection method: clinical testing. Allele origin: germline.
Comment: This sequence change replaces valine, which is neutral and non-polar, with methionine, which is neutral and non-polar, at codon 816 of the PMS2 protein (p.Val816Met). The frequency data for this variant in the population databases (gnomAD) is considered unreliable due to the presence of homologous sequence, such as pseudogenes or paralogs, in the genome. This variant has not been reported in the literature in individuals affected with PMS2-related conditions. ClinVar contains an entry for this variant (Variation ID: 1791399). Invitae Evidence Modeling incorporating data from in vitro experimental studies (internal data) indicates that this missense variant is not expected to disrupt PMS2 function with a negative predictive value of 95%. RNA analysis provides insufficient evidence to determine the effect of this variant on PMS2 splicing (internal data). In summary, the available evidence is currently insufficient to determine the role of this variant in disease. Therefore, it has been classified as a Variant of Uncertain Significance.

Ambry Genetics
Classification: Uncertain significance for Hereditary cancer-predisposing syndrome. Last evaluated: 2024-06-07. Review status: criteria provided, single submitter. Criteria: Ambry Variant Classification Scheme 2023. Collection method: clinical testing. Allele origin: germline.
Comment: The p.V816M variant (also known as c.2446G>A), located in coding exon 15 of the PMS2 gene, results from a G to A substitution at nucleotide position 2446. This variant impacts the first base pair of coding exon 15. The valine at codon 816 is replaced by methionine, an amino acid with highly similar properties. This amino acid position is highly conserved in available vertebrate species. In addition, this alteration is predicted to be deleterious by in silico analysis. Since supporting evidence is limited at this time, the clinical significance of this alteration remains unclear.

Color Diagnostics, LLC DBA Color Health
Classification: Uncertain significance for Hereditary cancer-predisposing syndrome. Last evaluated: 2023-01-17. Review status: criteria provided, single submitter. Criteria: ACMG Guidelines, 2015. Collection method: clinical testing. Allele origin: germline.
Comment: This missense variant replaces valine with methionine at codon 816 of the PMS2 protein. Computational prediction suggests that this variant may have deleterious impact on protein structure and function (internally defined REVEL score threshold >= 0.7, PMID: 27666373). To our knowledge, functional studies have not been reported for this variant. This variant has not been reported in individuals affected with PMS2-related disorders in the literature. This variant has not been identified in the general population by the Genome Aggregation Database (gnomAD). The available evidence is insufficient to determine the role of this variant in disease conclusively. Therefore, this variant is classified as a Variant of Uncertain Significance.

NM_000535.7(PMS2):c.2446G>A (p.Val816Met)

Gene: PMS2 (PMS1 homolog 2, mismatch repair system component; minus strand). Cytogenetic location: 7p22.1.
Variant type: single nucleotide variant.
Coding change: c.2446G>A on transcript NM_000535.7 (MANE Select); coding-DNA position 2446, G replaced by A.
Protein change: p.Val816Met; replaces valine 816 with methionine.
Molecular consequence: missense variant. On other transcripts: non-coding transcript variant (1).
Genome position (GRCh38, 1-based): chr7:5,973,542, C>T on the plus strand (G>A on the coding strand, the complement: PMS2 is on the minus strand). VCF-style: chr7-5973542-C-T. GRCh37 (hg19) VCF-style: chr7-6013173-C-T.
Other names: c.2041G>A, p.Val681Met (NM_001018040.1, NM_001322003.2, NM_001322004.2 and 12 more transcripts); c.2290G>A, p.Val764Met (NM_001322006.2); c.2128G>A, p.Val710Met (NM_001322007.2, NM_001322008.2, NM_001406883.1); c.2074G>A, p.Val692Met (NM_001322009.2, NM_001406887.1, NM_001406888.1); c.1885G>A, p.Val629Met (NM_001322010.2, NM_001406906.1, NM_001406907.1); c.1513G>A, p.Val505Met (NM_001322011.2, NM_001322012.2); c.1873G>A, p.Val625Met (NM_001322013.2, NM_001406908.1, NM_001406909.1); c.2479G>A, p.Val827Met (NM_001322014.2); and 20 more; short protein forms V415M, V505M, V577M, V625M, V661M, V692M, V710M, V721M.
Identifiers: ClinVar variation 1791399 (VCV001791399.7), dbSNP rs876659479, ClinGen allele CA366735045.